The following is an entry in ClinVar:

NM_001361.5(DHODH):c.*1174T>G

Gene: DHODH (dihydroorotate dehydrogenase (quinone); plus strand). Cytogenetic location: 16q22.2.
Variant type: single nucleotide variant.
Coding change: c.*1174T>G on transcript NM_001361.5 (MANE Select); 1174 bases downstream of the stop codon, T replaced by G.
Molecular consequence: 3 prime UTR variant.
Genome position (GRCh38, 1-based): chr16:72,025,373, T>G. VCF-style: chr16-72025373-T-G. GRCh37 (hg19) VCF-style: chr16-72059272-T-G.
Identifiers: ClinVar variation 320462 (VCV000320462.5), dbSNP rs148338434, ClinGen allele CA10638327.

ClinVar aggregate classification (germline): Likely benign (1 of 4 stars; one submission).

Conditions:
Miller syndrome (POADS). Also called: GENEE-WIEDEMANN SYNDROME; Genee-Wiedemann acrofacial dysostosis. Identifiers: Orphanet 246, MedGen C0265257, MONDO:0009903, OMIM 263750.

Allele frequency attached by ClinVar (database versions not stated): gnomAD 0.00006 and 0.00010; TOPMed 0.00013; 1000 Genomes Project 30x 0.00047; 1000 Genomes Project 0.00060.
gnomAD v4.1: 15 of 152,374 alleles (0.0098%); highest among the groups gnomAD compares: East Asian, 0.27%; no homozygotes.

Submission:

Illumina Laboratory Services, Illumina
Classification: Likely benign for Miller syndrome. Last evaluated: 2018-01-13. Review status: criteria provided, single submitter. Criteria: ICSL Variant Classification Criteria 13 December 2019. Collection method: clinical testing. Allele origin: germline.
Comment: This variant was observed in the ICSL laboratory as part of a predisposition screen in an ostensibly healthy population. It had not been previously curated by ICSL or reported in the Human Gene Mutation Database (HGMD: prior to June 1st, 2018), and was therefore a candidate for classification through an automated scoring system. Utilizing variant allele frequency, disease prevalence and penetrance estimates, and inheritance mode, an automated score was calculated to assess if this variant is too frequent to cause the disease. Based on the score and internal cut-off values, a variant classified as likely benign is not then subjected to further curation. The score for this variant resulted in a classification of likely benign for this disease.